The following is an entry in ClinVar:

ClinVar aggregate classification (germline): Uncertain significance. Review status: criteria provided, multiple submitters, no conflicts (2 of 4 stars). 2 submissions from 2 submitters: Uncertain significance (2). Last evaluated 2021-08-28.

Conditions:
Inborn genetic diseases. Identifiers: MedGen C0950123, MeSH D030342.

Allele frequency attached by ClinVar (database versions not stated): gnomAD exomes 0.00003; ExAC 0.00008; 1000 Genomes Project 30x 0.00016; 1000 Genomes Project 0.00020; TOPMed 0.00030; gnomAD 0.00031.

Submissions (2):

Labcorp Genetics (formerly Invitae), Labcorp
Classification: Uncertain significance. Last evaluated: 2021-08-28. Review status: criteria provided, single submitter. Criteria: Invitae Variant Classification Sherloc (09022015). Collection method: clinical testing. Allele origin: germline.
Comment: This sequence change replaces glutamine with leucine at codon 2247 of the SPEG protein (p.Gln2247Leu). The glutamine residue is highly conserved and there is a moderate physicochemical difference between glutamine and leucine. This variant is present in population databases (rs371425074, ExAC 0.1%). This variant has not been reported in the literature in individuals affected with SPEG-related conditions. Algorithms developed to predict the effect of missense changes on protein structure and function are either unavailable or do not agree on the potential impact of this missense change (SIFT: "Deleterious"; PolyPhen-2: "Benign"; Align-GVGD: "Class C0"). In summary, the available evidence is currently insufficient to determine the role of this variant in disease. Therefore, it has been classified as a Variant of Uncertain Significance.

Ambry Genetics
Classification: Uncertain significance for Inborn genetic diseases. Last evaluated: 2021-08-12. Review status: criteria provided, single submitter. Criteria: Ambry Variant Classification Scheme 2023. Collection method: clinical testing. Allele origin: germline.

NM_005876.5(SPEG):c.6740A>T (p.Gln2247Leu)

Genes: ASIC4-AS1 (ASIC4 antisense RNA 1; minus strand), SPEG (striated muscle enriched protein kinase; plus strand). Cytogenetic location: 2q35.
Variant type: single nucleotide variant.
Coding change: c.6740A>T on transcript NM_005876.5 (MANE Select); coding-DNA position 6740, A replaced by T.
Protein change: p.Gln2247Leu; replaces glutamine 2247 with leucine.
Molecular consequence: missense variant.
Genome position (GRCh38, 1-based): chr2:219,484,203, A>T. VCF-style: chr2-219484203-A-T. GRCh37 (hg19) VCF-style: chr2-220348925-A-T.
Other names: short protein forms Q2247L.
Identifiers: ClinVar variation 2069508 (VCV002069508.2), dbSNP rs371425074, ClinGen allele CA2127106.
Genomic context (GRCh38, chr2:219,484,203, plus strand): 5'-AGCCTGCACCACCCCCCCAGGCCCTGCAAACCCTAGCGCTGCCCCTCACACCCTATGCTC[A>T]GATCATTCAGTCCCTCCAGCTGTCAGGCCACGCCCAGGGCCCCTCGCAGGGCCCTGCCGC-3'
Protein context (NP_005867.3, residues 2237-2257): TLALPLTPYA[Gln2247Leu]IIQSLQLSGH